The following is an entry in ClinVar:

ClinVar aggregate classification (germline): Uncertain significance (1 of 4 stars; one submission).

Conditions:
Familial infantile myasthenia (CMS6). Also called: MYASTHENIC SYNDROME, CONGENITAL, 6, PRESYNAPTIC; Congenital myasthenic syndrome type 6; MYASTHENIC SYNDROME, PRESYNAPTIC, CONGENITAL, ASSOCIATED WITH EPISODIC APNEA. Identifiers: Orphanet 590, MedGen C0393929, MONDO:0009689, OMIM 254210.

Submission:

Labcorp Genetics (formerly Invitae), Labcorp
Classification: Uncertain significance for Familial infantile myasthenia. Last evaluated: 2021-11-07. Review status: criteria provided, single submitter. Criteria: Invitae Variant Classification Sherloc (09022015). Collection method: clinical testing. Allele origin: germline.
Comment: This sequence change replaces lysine, which is basic and polar, with asparagine, which is neutral and polar, at codon 8 of the CHAT protein (p.Lys8Asn). In summary, the available evidence is currently insufficient to determine the role of this variant in disease. Therefore, it has been classified as a Variant of Uncertain Significance. Advanced modeling of protein sequence and biophysical properties (such as structural, functional, and spatial information, amino acid conservation, physicochemical variation, residue mobility, and thermodynamic stability) performed at Invitae indicates that this missense variant is not expected to disrupt CHAT protein function. This variant has not been reported in the literature in individuals affected with CHAT-related conditions. This variant is not present in population databases (gnomAD no frequency).

NM_020549.5(CHAT):c.24G>T (p.Lys8Asn)

Gene: CHAT (choline O-acetyltransferase; plus strand). Cytogenetic location: 10q11.23.
Variant type: single nucleotide variant.
Coding change: c.24G>T on transcript NM_020549.5 (MANE Select); coding-DNA position 24, G replaced by T.
Protein change: p.Lys8Asn; replaces lysine 8 with asparagine.
Molecular consequence: missense variant. On other transcripts: 5 prime UTR variant (3), intron variant (3).
Genome position (GRCh38, 1-based): chr10:49,614,213, G>T. VCF-style: chr10-49614213-G-T. GRCh37 (hg19) VCF-style: chr10-50822259-G-T.
Other names: c.-331G>T (NM_001142929.2); c.-293G>T (NM_001142933.2); c.-401G>T (NM_001142934.2); c.-68-2289G>T (NM_020984.4); c.-240-91G>T (NM_020985.4); c.-69+1011G>T (NM_020986.4); short protein forms K8N.
Identifiers: ClinVar variation 1391936 (VCV001391936.6), dbSNP rs1444707075, ClinGen allele CA376724555.